The following is an entry in ClinVar:

NM_000548.5(TSC2):c.1347G>A (p.Met449Ile)

Gene: TSC2 (TSC complex subunit 2; plus strand). Cytogenetic location: 16p13.3.
Variant type: single nucleotide variant.
Coding change: c.1347G>A on transcript NM_000548.5 (MANE Select); coding-DNA position 1347, G replaced by A.
Protein change: p.Met449Ile; replaces methionine 449 with isoleucine.
Molecular consequence: missense variant.
Genome position (GRCh38, 1-based): chr16:2,062,586, G>A. VCF-style: chr16-2062586-G-A. GRCh37 (hg19) VCF-style: chr16-2112587-G-A.
Other names: c.1347G>A, p.Met449Ile (NM_001077183.3, NM_001114382.3, NM_001363528.2 and 3 more transcripts); c.1236G>A, p.Met412Ile (NM_001318827.2); c.1200G>A, p.Met400Ile (NM_001318829.2); c.747G>A, p.Met249Ile (NM_001318831.2); c.1380G>A, p.Met460Ile (NM_001318832.2); short protein forms M249I, M400I, M460I, M412I, M449I.
Identifiers: ClinVar variation 852892 (VCV000852892.12), dbSNP rs45443091, ClinGen allele CA394322618.

ClinVar aggregate classification (germline): Uncertain significance. Review status: criteria provided, multiple submitters, no conflicts (2 of 4 stars). 3 submissions from 3 submitters: Uncertain significance (3). Last evaluated 2026-08-06.

Conditions:
Tuberous sclerosis 2 (TSC2). Identifiers: Orphanet 805, MedGen C1860707, MONDO:0013199, OMIM 613254.
Hereditary cancer-predisposing syndrome. Also called: Tumor predisposition; Hereditary neoplastic syndrome; Neoplastic Syndromes, Hereditary; Hereditary Cancer Syndrome. Identifiers: Orphanet 140162, MedGen C0027672, MeSH D009386, MONDO:0015356.

Allele frequency attached by ClinVar (database versions not stated): gnomAD exomes 0.00001.
gnomAD v4.1: 3 of 1,609,286 alleles (0.00019%); highest among the groups gnomAD compares: South Asian, 0.0033%; no homozygotes.

Submissions (3):

Ambry Genetics
Classification: Uncertain significance for Hereditary cancer-predisposing syndrome. Last evaluated: 2026-08-06. Review status: criteria provided, single submitter. Criteria: Ambry Variant Classification Scheme 2023. Collection method: clinical testing. Allele origin: germline.
Comment: The p.M449I variant (also known as c.1347G>A), located in coding exon 12 of the TSC2 gene, results from a G to A substitution at nucleotide position 1347. The methionine at codon 449 is replaced by isoleucine, an amino acid with highly similar properties. This amino acid position is highly conserved in available vertebrate species. In addition, this alteration is predicted to be deleterious by in silico analysis. Based on the available evidence, the clinical significance of this variant remains unclear.

Labcorp Genetics (formerly Invitae), Labcorp
Classification: Uncertain significance for Tuberous sclerosis 2. Last evaluated: 2023-08-10. Review status: criteria provided, single submitter. Criteria: Invitae Variant Classification Sherloc (09022015). Collection method: clinical testing. Allele origin: germline.
Comment: In summary, the available evidence is currently insufficient to determine the role of this variant in disease. Therefore, it has been classified as a Variant of Uncertain Significance. Advanced modeling of protein sequence and biophysical properties (such as structural, functional, and spatial information, amino acid conservation, physicochemical variation, residue mobility, and thermodynamic stability) performed at Invitae indicates that this missense variant is not expected to disrupt TSC2 protein function. ClinVar contains an entry for this variant (Variation ID: 852892). This variant has not been reported in the literature in individuals affected with TSC2-related conditions. This variant is not present in population databases (gnomAD no frequency). This sequence change replaces methionine, which is neutral and non-polar, with isoleucine, which is neutral and non-polar, at codon 449 of the TSC2 protein (p.Met449Ile).

Revvity Omics, Revvity
Classification: Uncertain significance for Tuberous sclerosis 2. Last evaluated: 2019-01-30. Review status: criteria provided, single submitter. Criteria: ACMG Guidelines, 2015. Collection method: clinical testing. Allele origin: germline.